The following is an entry in ClinVar:

ClinVar aggregate classification (germline): Uncertain significance. Review status: reviewed by expert panel (3 of 4 stars). 5 submissions from 5 submitters: Uncertain significance (1). 4 of the submissions do not count toward it. Last evaluated 2025-01-15.

Conditions:
Hereditary thrombocytopenia and hematological cancer predisposition syndrome associated with RUNX1. Also called: Familial Platelet Disorder with Propensity to Acute Myelogenous Leukemia; Familial thrombocytopenia with propensity to acute myelogenous leukemia; RUNX1 Familial Platelet Disorder with Associated Myeloid Malignancies; PLATELET DISORDER, ASPIRIN-LIKE. Identifiers: Orphanet 71290, MedGen C1832388, MeSH C563324, MONDO:0100083, OMIM 601399.
Hereditary thrombocytopenia and hematologic cancer predisposition syndrome. Identifiers: Orphanet 71290, MedGen CN281654, MONDO:0011071.
Myelodysplastic syndrome (MDS). Also called: MYELODYSPLASTIC SYNDROME, SUSCEPTIBILITY TO; Myelodysplastic syndrome, somatic; Myelodysplastic syndromes. Identifiers: Orphanet 52688, MedGen C3463824, MeSH D009190, MONDO:0018881, OMIM 614286.
Inborn genetic diseases. Identifiers: MedGen C0950123, MeSH D030342.

gnomAD v4.1: 2 of 1,591,396 alleles (0.00013%); highest among the groups gnomAD compares: Non-Finnish European, 0.00017%; no homozygotes.

Submissions (5):

ClinGen Myeloid Malignancy Variant Curation Expert Panel
Classification: Uncertain significance for Hereditary thrombocytopenia and hematologic cancer predisposition syndrome. Last evaluated: 2025-01-15. Review status: reviewed by expert panel. Criteria: ClinGen MyeloMalig ACMG Specifications v2. Collection method: curation. Allele origin: germline. Inheritance: Autosomal dominant inheritance.
Comment: NM_001754.5(RUNX1):c.1093G>A (p.Gly365Ser) is a missense variant which is completely absent from all population databases with at least 20x coverage for RUNX1 (PM2_Supporting). In summary, the clinical significance of this variant is uncertain. ACMG/AMP criteria applied, as specified by the Myeloid Malignancy Variant Curation Expert Panel for RUNX1: PM2_supporting.

Genetics Program, Instituto Nacional de Cancer
Classification: Uncertain significance for Myelodysplastic syndrome. Last evaluated: 2026-05-05. Review status: criteria provided, single submitter. Criteria: ACMG Guidelines, 2015. Collection method: research. Allele origin: germline. Affected: yes. Observed: 1 variant allele, 1 homozygote. Not counted in ClinVar's aggregate classification.
Comment: However, no additional criteria could be applied, for example, due to conflicting computational predictions, showing deleterious (MutationTaster, FATHMM, DANN, MetaLR, PrimateAI, GenoCanyon, fitCons), benign (AlphaMissense, VARITY, SIFT), and uncertain results (REVEL, BayesDel, GERP). Furthermore, there are no functional studies in OncoKB demonstrating its impact. Additionally, the variant has four prior submissions in ClinVar, all concordant with a classification of uncertain significance.

Ambry Genetics
Classification: Uncertain significance for Inborn genetic diseases. Last evaluated: 2025-08-24. Review status: criteria provided, single submitter. Criteria: Ambry Variant Classification Scheme 2023. Collection method: clinical testing. Allele origin: germline. Not counted in ClinVar's aggregate classification.
Comment: The p.G365S variant (also known as c.1093G>A), located in coding exon 8 of the RUNX1 gene, results from a G to A substitution at nucleotide position 1093. The glycine at codon 365 is replaced by serine, an amino acid with similar properties. This amino acid position is conserved. In addition, the in silico prediction for this alteration is inconclusive. Based on the available evidence, the clinical significance of this variant remains unclear.

Labcorp Genetics (formerly Invitae), Labcorp
Classification: Uncertain significance for Hereditary thrombocytopenia and hematological cancer predisposition syndrome associated with RUNX1. Last evaluated: 2025-05-13. Review status: criteria provided, single submitter. Criteria: Invitae Variant Classification Sherloc (09022015). Collection method: clinical testing. Allele origin: germline. Not counted in ClinVar's aggregate classification.
Comment: This sequence change replaces glycine, which is neutral and non-polar, with serine, which is neutral and polar, at codon 365 of the RUNX1 protein (p.Gly365Ser). This variant is not present in population databases (gnomAD no frequency). This variant has not been reported in the literature in individuals affected with RUNX1-related conditions. ClinVar contains an entry for this variant (Variation ID: 962238). Invitae Evidence Modeling of protein sequence and biophysical properties (such as structural, functional, and spatial information, amino acid conservation, physicochemical variation, residue mobility, and thermodynamic stability) has been performed for this missense variant. However, the output from this modeling did not meet the statistical confidence thresholds required to predict the impact of this variant on RUNX1 protein function. In summary, the available evidence is currently insufficient to determine the role of this variant in disease. Therefore, it has been classified as a Variant of Uncertain Significance.

GeneDx
Classification: Uncertain significance. Last evaluated: 2024-02-23. Review status: criteria provided, single submitter. Criteria: GeneDx Variant Classification Process June 2021. Collection method: clinical testing. Allele origin: germline. Affected: yes. Not counted in ClinVar's aggregate classification.
Comment: Not observed at significant frequency in large population cohorts (gnomAD); In silico analysis supports that this missense variant does not alter protein structure/function; Has not been previously published as pathogenic or benign to our knowledge

NM_001754.5(RUNX1):c.1093G>A (p.Gly365Ser)

Gene: RUNX1 (RUNX family transcription factor 1; minus strand). Cytogenetic location: 21q22.12.
Variant type: single nucleotide variant.
Coding change: c.1093G>A on transcript NM_001754.5 (MANE Select); coding-DNA position 1093, G replaced by A.
Protein change: p.Gly365Ser; replaces glycine 365 with serine.
Molecular consequence: missense variant.
Genome position (GRCh38, 1-based): chr21:34,792,485, C>T on the plus strand (G>A on the coding strand, the complement: RUNX1 is on the minus strand). VCF-style: chr21-34792485-C-T. GRCh37 (hg19) VCF-style: chr21-36164782-C-T.
Other names: NM_001754.5(RUNX1):c.1093G>A; p.Gly365Ser; c.1012G>A, p.Gly338Ser (NM_001001890.3); short protein forms G365S, G338S.
Identifiers: ClinVar variation 962238 (VCV000962238.12), dbSNP rs752616540, ClinGen allele CA10014205.